The following is an entry in ClinVar:

NM_000089.4(COL1A2):c.937-3C>T

Gene: COL1A2 (collagen type I alpha 2 chain; plus strand). Cytogenetic location: 7q21.3.
Variant type: single nucleotide variant.
Coding change: c.937-3C>T on transcript NM_000089.4 (MANE Select); 3 bases into the intron before coding-DNA position 937, C replaced by T.
Molecular consequence: intron variant.
Genome position (GRCh38, 1-based): chr7:94,409,720, C>T. VCF-style: chr7-94409720-C-T. GRCh37 (hg19) VCF-style: chr7-94039032-C-T.
Other names: p.?.
Identifiers: ClinVar variation 254958 (VCV000254958.48), dbSNP rs42519, ClinGen allele CA4346893.

ClinVar aggregate classification (germline): Benign. Review status: criteria provided, multiple submitters, no conflicts (2 of 4 stars). 21 submissions from 16 submitters: Benign (18). 3 of the submissions do not count toward it. Last evaluated 2026-02-04.

Conditions:
Osteogenesis imperfecta type I (OI1). Also called: OI, TYPE I; OSTEOGENESIS IMPERFECTA TARDA; OSTEOGENESIS IMPERFECTA WITH BLUE SCLERAE; Osteogenesis imperfecta type 1; Lobstein's Disease; Lobstein disease. Identifiers: Orphanet 216796, Orphanet 666, MedGen C0023931, MONDO:0008146, OMIM 166200. Disease mechanism: loss of function.
Ehlers-Danlos syndrome, classic type, 1 (EDSCL1). Also called: Ehlers-Danlos Syndrome, Classic Type, COL5A1-Related; EHLERS-DANLOS SYNDROME, GRAVIS TYPE; EHLERS-DANLOS SYNDROME, SEVERE CLASSIC TYPE; Ehlers-Danlos syndrome, type 1; EDS I. Identifiers: MedGen C0268335, MONDO:0019567, OMIM 130000.
Cardiovascular phenotype. Identifiers: MedGen CN230736.
Ehlers-Danlos syndrome, arthrochalasia type, 2. Also called: EHLERS-DANLOS SYNDROME, TYPE VIIB, AUTOSOMAL DOMINANT. Identifiers: MedGen CN293783, MONDO:0040501, OMIM 617821.
Ehlers-Danlos syndrome (EDS). Identifiers: Orphanet 98249, MedGen C0013720, MONDO:0020066.
Osteogenesis imperfecta type III (OI3). Also called: Osteogenesis imperfecta type 3; OI type 3; Osteogenesis imperfecta, progressively deforming with normal sclerae; OI type III; Progressively Deforming Osteogenesis Imperfecta. Identifiers: Orphanet 216812, Orphanet 666, MedGen C0268362, MONDO:0009804, OMIM 259420.
Osteogenesis imperfecta with normal sclerae, dominant form (OI4). Also called: OSTEOGENESIS IMPERFECTA WITH NORMAL SCLERAE; OSTEOGENESIS IMPERFECTA, TYPE IV, WITH DENTINOGENESIS IMPERFECTA; Osteogenesis Imperfecta Type IV; Osteogenesis imperfecta type 4; Common Variable Osteogenesis Imperfecta with Normal Sclerae. Identifiers: Orphanet 216820, Orphanet 666, MedGen C0268363, MONDO:0008148, OMIM 166220.
Osteogenesis imperfecta (OI). Identifiers: Orphanet 666, MedGen C0029434, MeSH D010013, MONDO:0019019.
Osteogenesis imperfecta, perinatal lethal (OI2). Also called: Osteogenesis imperfecta type 2; OI, TYPE II; OSTEOGENESIS IMPERFECTA CONGENITA; OSTEOGENESIS IMPERFECTA, TYPE II; VROLIK TYPE OF OSTEOGENESIS IMPERFECTA; Osteogenesis imperfecta, dominant perinatal lethal. Identifiers: Orphanet 216804, MedGen C0268358, MONDO:0008147, OMIM 166210.

Allele frequency attached by ClinVar (database versions not stated): gnomAD 0.80817 and 0.81243; TOPMed 0.81588; gnomAD exomes 0.76828 and 0.77578; ExAC 0.77422; ESP Exome Variant Server 0.80409; 1000 Genomes Project 0.82428; 1000 Genomes Project 30x 0.82667.
gnomAD v4.1: 1,245,108 of 1,613,902 alleles (77%); highest among the groups gnomAD compares: East Asian, 94%; 483,060 homozygotes.

Submissions (23):

Labcorp Genetics (formerly Invitae), Labcorp
Classification: Benign for Osteogenesis imperfecta type I; Ehlers-Danlos syndrome, classic type, 1. Last evaluated: 2026-02-04. Review status: criteria provided, single submitter. Criteria: Invitae Variant Classification Sherloc (09022015). Collection method: clinical testing. Allele origin: germline.

ARUP Laboratories, Molecular Genetics and Genomics, ARUP Laboratories
Classification: Benign. Last evaluated: 2025-07-29. Review status: criteria provided, single submitter. Criteria: ARUP Molecular Germline Variant Investigation Process 2024. Collection method: clinical testing. Allele origin: germline.

Blueprint Genetics
Classification: Benign. Last evaluated: 2024-11-27. Review status: criteria provided, single submitter. Criteria: ACMG Guidelines, 2015. Collection method: clinical testing. Allele origin: germline.

Genome Diagnostics Laboratory, The Hospital for Sick Children
Classification: Benign for Osteogenesis imperfecta. Last evaluated: 2022-07-18. Review status: criteria provided, single submitter. Criteria: ACMG Guidelines, 2015. Collection method: clinical testing. Allele origin: germline.

Genome Diagnostics Laboratory, The Hospital for Sick Children
Classification: Benign for Ehlers-Danlos syndrome. Last evaluated: 2022-07-16. Review status: criteria provided, single submitter. Criteria: ACMG Guidelines, 2015. Collection method: clinical testing. Allele origin: germline.

Genome-Nilou Lab
Classification: Benign for Ehlers-Danlos syndrome, arthrochalasia type, 2. Last evaluated: 2021-07-22. Review status: criteria provided, single submitter. Criteria: ACMG Guidelines, 2015. Collection method: clinical testing. Allele origin: germline. Affected: no.

Genome-Nilou Lab
Classification: Benign for Osteogenesis imperfecta, perinatal lethal. Last evaluated: 2021-07-22. Review status: criteria provided, single submitter. Criteria: ACMG Guidelines, 2015. Collection method: clinical testing. Allele origin: germline. Affected: no.

Genome-Nilou Lab
Classification: Benign for Osteogenesis imperfecta type III. Last evaluated: 2021-07-22. Review status: criteria provided, single submitter. Criteria: ACMG Guidelines, 2015. Collection method: clinical testing. Allele origin: germline. Affected: no.

Genome-Nilou Lab
Classification: Benign for Osteogenesis imperfecta with normal sclerae, dominant form. Last evaluated: 2021-07-22. Review status: criteria provided, single submitter. Criteria: ACMG Guidelines, 2015. Collection method: clinical testing. Allele origin: germline. Affected: no.

Mayo Clinic Laboratories, Mayo Clinic
Classification: Benign. Last evaluated: 2019-03-13. Review status: criteria provided, single submitter. Criteria: ACMG Guidelines, 2015. Collection method: clinical testing. Allele origin: germline. Observed: 4,220 variant alleles.

Ambry Genetics
Classification: Benign for Cardiovascular phenotype. Last evaluated: 2018-12-04. Review status: criteria provided, single submitter. Criteria: Ambry Variant Classification Scheme 2023. Collection method: clinical testing. Allele origin: germline.

Illumina Laboratory Services, Illumina
Classification: Benign for Osteogenesis imperfecta. Last evaluated: 2018-01-12. Review status: criteria provided, single submitter. Criteria: ICSL Variant Classification Criteria 13 December 2019. Collection method: clinical testing. Allele origin: germline.
Comment: This variant was observed in the ICSL laboratory as part of a predisposition screen in an ostensibly healthy population. It had not been previously curated by ICSL or reported in the Human Gene Mutation Database (HGMD: prior to June 1st, 2018), and was therefore a candidate for classification through an automated scoring system. Utilizing variant allele frequency, disease prevalence and penetrance estimates, and inheritance mode, an automated score was calculated to assess if this variant is too frequent to cause the disease. Based on the score and internal cut-off values, a variant classified as benign is not then subjected to further curation. The score for this variant resulted in a classification of benign for this disease.

Illumina Laboratory Services, Illumina
Classification: Benign for Ehlers-Danlos syndrome, arthrochalasia type, 2. Last evaluated: 2018-01-12. Review status: criteria provided, single submitter. Criteria: ICSL Variant Classification Criteria 13 December 2019. Collection method: clinical testing. Allele origin: germline.
Comment: the same text as in the submission from Illumina Laboratory Services, Illumina above.

GeneDx
Classification: Benign. Last evaluated: 2016-03-03. Review status: criteria provided, single submitter. Criteria: GeneDx Variant Classification (06012015). Collection method: clinical testing. Allele origin: germline. Affected: yes.
Comment: This variant is considered likely benign or benign based on one or more of the following criteria: it is a conservative change, it occurs at a poorly conserved position in the protein, it is predicted to be benign by multiple in silico algorithms, and/or has population frequency not consistent with disease.

Eurofins Ntd Llc (ga)
Classification: Benign. Last evaluated: 2015-10-09. Review status: criteria provided, single submitter. Criteria: EGL Classification Definitions 2015. Collection method: clinical testing. Allele origin: germline. Observed: 3 variant alleles, 2 heterozygotes, 1 homozygote.

Athena Diagnostics
Classification: Benign. Last evaluated: 2012-05-04. Review status: criteria provided, single submitter. Criteria: Athena Diagnostics Criteria. Collection method: clinical testing. Allele origin: germline.

Breakthrough Genomics
Classification: Benign. Review status: criteria provided, single submitter. Criteria: ACMG Guidelines, 2015. Collection method: not provided. Allele origin: germline. Inheritance: Autosomal recessive inheritance. Affected: yes.

PreventionGenetics, part of Exact Sciences
Classification: Benign. Review status: criteria provided, single submitter. Criteria: ACMG Guidelines, 2015. Collection method: clinical testing. Allele origin: germline.

Diagnostic Laboratory, Department of Genetics, University Medical Center Groningen
Classification: Benign. Review status: no assertion criteria provided. Collection method: clinical testing. Allele origin: germline. Affected: yes. Study: VKGL Data-share Consensus. Not counted in ClinVar's aggregate classification.

Dr. Peter K. Rogan Lab, Western University
No classification provided (evidence only). Condition: Familial cancer of breast. Review status: no classification provided. Collection method: in vitro. Allele origin: not applicable. Functional consequence: retained intron. Not counted in ClinVar's aggregate classification.

Dr. Peter K. Rogan Lab, Western University
No classification provided (evidence only). Condition: Hepatocellular carcinoma. Review status: no classification provided. Collection method: in vitro. Allele origin: not applicable. Functional consequence: retained intron. Not counted in ClinVar's aggregate classification.

Genome Diagnostics Laboratory, Amsterdam University Medical Center
Classification: Benign. Review status: no assertion criteria provided. Collection method: clinical testing. Allele origin: germline. Affected: yes. Study: VKGL Data-share Consensus. Not counted in ClinVar's aggregate classification.

Joint Genome Diagnostic Labs from Nijmegen and Maastricht, Radboudumc and MUMC+
Classification: Benign. Review status: no assertion criteria provided. Collection method: clinical testing. Allele origin: germline. Affected: yes. Study: VKGL Data-share Consensus. Not counted in ClinVar's aggregate classification.